The following is an entry in ClinVar:

NM_022821.4(ELOVL1):c.244A>G (p.Met82Val)

Gene: ELOVL1 (ELOVL fatty acid elongase 1; minus strand). Cytogenetic location: 1p34.2.
Variant type: single nucleotide variant.
Coding change: c.244A>G on transcript NM_022821.4 (MANE Select); coding-DNA position 244, A replaced by G.
Protein change: p.Met82Val; replaces methionine 82 with valine.
Molecular consequence: missense variant. On other transcripts: initiator codon variant (1), non-coding transcript variant (1), intron variant (1).
Genome position (GRCh38, 1-based): chr1:43,365,002, T>C on the plus strand (A>G on the coding strand, the complement: ELOVL1 is on the minus strand). VCF-style: chr1-43365002-T-C. GRCh37 (hg19) VCF-style: chr1-43830673-T-C.
Other names: c.244A>G, p.Met82Val (NM_001256399.2); c.1A>G, p.Met1Val (NM_001256402.2); c.237+184A>G (NM_001256401.2); short protein forms M1V, M82V.
Identifiers: ClinVar variation 2303830 (VCV002303830.4), dbSNP rs530810034, ClinGen allele CA807656.

ClinVar aggregate classification (germline): Uncertain significance (1 of 4 stars; one submission).

Allele frequency attached by ClinVar (database versions not stated): gnomAD exomes 0.00004; 1000 Genomes Project 30x 0.00016; gnomAD 0.00001; ExAC 0.00009; 1000 Genomes Project 0.00020.
gnomAD v4.1: 60 of 1,613,394 alleles (0.0037%); highest among the groups gnomAD compares: South Asian, 0.062%; 1 homozygote.

Submission:

Ambry Genetics
Classification: Uncertain significance. Last evaluated: 2025-10-18. Review status: criteria provided, single submitter. Criteria: Ambry Variant Classification Scheme 2023. Collection method: clinical testing. Allele origin: germline.
Comment: The c.244A>G (p.M82V) alteration is located in exon 4 (coding exon 3) of the ELOVL1 gene. This alteration results from a A to G substitution at nucleotide position 244, causing the methionine (M) at amino acid position 82 to be replaced by a valine (V). Based on data from gnomAD, the G allele has an overall frequency of 0.009% (22/249678) total alleles studied. The highest observed frequency was 0.072% (22/30420) of South Asian alleles. Based on insufficient or conflicting evidence, the clinical significance of this alteration remains unclear.